The following is an entry in ClinVar:

NM_012293.3(PXDN):c.3305T>G (p.Phe1102Cys)

Gene: PXDN (peroxidasin; minus strand). Cytogenetic location: 2p25.3.
Variant type: single nucleotide variant.
Coding change: c.3305T>G on transcript NM_012293.3 (MANE Select); coding-DNA position 3305, T replaced by G.
Protein change: p.Phe1102Cys; replaces phenylalanine 1102 with cysteine.
Molecular consequence: missense variant.
Genome position (GRCh38, 1-based): chr2:1,648,475, A>C on the plus strand (T>G on the coding strand, the complement: PXDN is on the minus strand). VCF-style: chr2-1648475-A-C. GRCh37 (hg19) VCF-style: chr2-1652247-A-C.
Other names: short protein forms F1102C.
Identifiers: ClinVar variation 3375791 (VCV003375791.4).

ClinVar aggregate classification (germline): Uncertain significance. Review status: criteria provided, multiple submitters, no conflicts (2 of 4 stars). 2 submissions from 2 submitters: Uncertain significance (2). Last evaluated 2025-01-08.

Conditions:
Anterior segment dysgenesis 7 (ASGD7). Also called: SCLEROCORNEA WITH OTHER OCULAR ANOMALIES; Anterior segment dysgenesis 7, with sclerocornea. Identifiers: Orphanet 289499, MedGen C3151617, MONDO:0010015, OMIM 269400.

gnomAD v4.1: 310 of 1,611,358 alleles (0.019%); highest among the groups gnomAD compares: Non-Finnish European, 0.023%; no homozygotes.

Submissions (2):

Labcorp Genetics (formerly Invitae), Labcorp
Classification: Uncertain significance for Anterior segment dysgenesis 7. Last evaluated: 2025-01-08. Review status: criteria provided, single submitter. Criteria: Invitae Variant Classification Sherloc (09022015). Collection method: clinical testing. Allele origin: germline.
Comment: This sequence change replaces phenylalanine, which is neutral and non-polar, with cysteine, which is neutral and slightly polar, at codon 1102 of the PXDN protein (p.Phe1102Cys). This variant is present in population databases (rs374658487, gnomAD 0.03%). This variant has not been reported in the literature in individuals affected with PXDN-related conditions. Invitae Evidence Modeling of protein sequence and biophysical properties (such as structural, functional, and spatial information, amino acid conservation, physicochemical variation, residue mobility, and thermodynamic stability) indicates that this missense variant is expected to disrupt PXDN protein function with a positive predictive value of 80%. In summary, the available evidence is currently insufficient to determine the role of this variant in disease. Therefore, it has been classified as a Variant of Uncertain Significance.

GeneDx
Classification: Uncertain significance. Last evaluated: 2024-12-03. Review status: criteria provided, single submitter. Criteria: GeneDx Variant Classification Process June 2021. Collection method: clinical testing. Allele origin: germline.
Comment: In silico analysis supports that this missense variant has a deleterious effect on protein structure/function; Has not been previously published as pathogenic or benign to our knowledge